The following is an entry in ClinVar:

ClinVar aggregate classification (germline): Likely pathogenic (1 of 4 stars; one submission).

Submission:

Dasa
Classification: Likely pathogenic. Last evaluated: 2025-06-11. Review status: criteria provided, single submitter. Criteria: DASA Assertion Criteria. Collection method: clinical testing. Allele origin: germline.
Comment: NM_001374736.1(DST):c.15534_15535del (p.Trp5179Alafs*21) is a frameshift variant in DST predicted to alter the reading frame and introduce a premature termination codon and is predicted to result in an absent or altered protein product. Loss of function is an established disease mechanism for DST-associated disorders. Also, this variant is absent from population databases. Based on the currently available evidence, this variant is classified as likely pathogenic.

NM_001374736.1(DST):c.15534_15535del (p.Trp5179fs)

Gene: DST (dystonin; minus strand). Cytogenetic location: 6p12.1.
Variant type: Microsatellite.
Coding change: c.15534_15535del on transcript NM_001374736.1 (MANE Select); coding-DNA positions 15534 to 15535, 2 bases deleted (CT; older notation c.15534_15535delCT).
Protein change: p.Trp5179fs; shifts the reading frame from tryptophan 5179.
Molecular consequence: frameshift variant.
Genome position (GRCh38, 1-based): chr6:56,553,257-56,553,258, AG deleted on the plus strand (CT on the coding strand, the reverse complement: DST is on the minus strand); deleting any 2 consecutive bases within chr6:56,553,257-56,553,262 gives the same sequence; the c. name uses the placement nearest the transcript's 3' end. VCF-style (leftmost placement, unchanged base first): chr6-56553256-CAG-C. GRCh37 (hg19) VCF-style: chr6-56418054-CAG-C.
Other names: c.15561_15562del, p.Trp5188fs (NM_001374734.1); c.8643_8644del, p.Trp2882fs (NM_001386100.1, NM_183380.4, NM_001374730.1); c.7665_7666del, p.Trp2556fs (NM_015548.5); c.8763_8764del, p.Trp2922fs (NM_001144770.2); c.15534_15535del, p.Trp5179fs (NM_001374722.1); c.14901_14902del, p.Trp4968fs (NM_001374729.1); c.9177_9178del, p.Trp3060fs (NM_001144769.5); short protein forms W2556fs, W2882fs, W2922fs, W3060fs, W4968fs, W5179fs, W5188fs.
Identifiers: ClinVar variation 4856840 (VCV004856840.2).